The following is an entry in ClinVar:

ClinVar aggregate classification (germline): Pathogenic (1 of 4 stars; one submission).

Conditions:
Tyrosinemia type II (TYRSN2). Also called: TAT DEFICIENCY; TYROSINE AMINOTRANSFERASE DEFICIENCY; TYROSINE TRANSAMINASE DEFICIENCY; KERATOSIS PALMOPLANTARIS WITH CORNEAL DYSTROPHY; OREGON TYPE TYROSINEMIA. Identifiers: Orphanet 28378, MedGen C0268487, MONDO:0010160, OMIM 276600.

Allele frequency attached by ClinVar (database versions not stated): gnomAD exomes below 0.00001.

Submission:

Labcorp Genetics (formerly Invitae), Labcorp
Classification: Pathogenic for Tyrosinemia type II. Last evaluated: 2021-07-21. Review status: criteria provided, single submitter. Criteria: Invitae Variant Classification Sherloc (09022015). Collection method: clinical testing. Allele origin: germline.
Comment: This variant has not been reported in the literature in individuals affected with TAT-related conditions. For these reasons, this variant has been classified as Pathogenic. This variant is not present in population databases (ExAC no frequency). This sequence change creates a premature translational stop signal (p.Trp194*) in the TAT gene. It is expected to result in an absent or disrupted protein product. Loss-of-function variants in TAT are known to be pathogenic (PMID: 9544843).

Literature cited by the submitters: PubMed 9544843.

NM_000353.3(TAT):c.582G>A (p.Trp194Ter)

Genes: TAT (tyrosine aminotransferase; minus strand), TAT-AS1 (TAT antisense RNA 1; plus strand), LOC111413029 (BRD4-independent group 4 enhancer GRCh37_chr16:71605697-71606896; plus strand). Cytogenetic location: 16q22.2.
Variant type: single nucleotide variant.
Coding change: c.582G>A on transcript NM_000353.3 (MANE Select); coding-DNA position 582, G replaced by A.
Protein change: p.Trp194Ter; replaces tryptophan 194 with a stop codon.
Molecular consequence: nonsense. On other transcripts: non-coding transcript variant (2).
Genome position (GRCh38, 1-based): chr16:71,572,310, C>T on the plus strand (G>A on the coding strand, the complement: TAT is on the minus strand). VCF-style: chr16-71572310-C-T. GRCh37 (hg19) VCF-style: chr16-71606213-C-T.
Other names: short protein forms W194*.
Identifiers: ClinVar variation 1350262 (VCV001350262.6), dbSNP rs2145232689, ClinGen allele CA396652962.
Genomic context (GRCh38, chr16:71,572,310, plus strand): 5'-GACAATGAGACAAGCTGTCTTTTCATCAATTAGATATTCCAGTTGTTTCAGGTCAATTTC[C>T]CAAGATTTCTCTGGCTGGAGAGAAAGAAAGGATGAGACTAAGATGATTCTGAAACATTTA-3'